The following is an entry in ClinVar:

ClinVar aggregate classification (germline): Benign/Likely benign. Review status: criteria provided, multiple submitters, no conflicts (2 of 4 stars). 7 submissions from 7 submitters: Benign (6); Likely benign (1). Last evaluated 2026-02-04.

Conditions:
Neutral lipid storage myopathy (NLSDM). Also called: NEUTRAL LIPID STORAGE DISEASE WITHOUT ICHTHYOSIS. Identifiers: Orphanet 98908, MedGen C1853136, MONDO:0012545, OMIM 610717.

Allele frequency attached by ClinVar (database versions not stated): ESP Exome Variant Server 0.01899; gnomAD 0.02656 and 0.03245; TOPMed 0.03201; gnomAD exomes 0.04699; ExAC 0.08282; 1000 Genomes Project 30x 0.09260; 1000 Genomes Project 0.09724.
gnomAD v4.1: 34,804 of 1,554,754 alleles (2.2%); highest among the groups gnomAD compares: East Asian, 23%; 2,084 homozygotes.

Submissions (15):

Labcorp Genetics (formerly Invitae), Labcorp
Classification: Benign for Neutral lipid storage myopathy. Last evaluated: 2026-02-04. Review status: criteria provided, single submitter. Criteria: Invitae Variant Classification Sherloc (09022015). Collection method: clinical testing. Allele origin: germline.

Blueprint Genetics
Classification: Likely benign. Last evaluated: 2024-11-27. Review status: criteria provided, single submitter. Criteria: ACMG Guidelines, 2015. Collection method: clinical testing. Allele origin: germline.

Mayo Clinic Laboratories, Mayo Clinic
Classification: Benign. Last evaluated: 2021-10-14. Review status: criteria provided, single submitter. Criteria: ACMG Guidelines, 2015. Collection method: clinical testing. Allele origin: germline. Observed: 64 variant alleles.

GeneDx
Classification: Benign. Last evaluated: 2019-10-16. Review status: criteria provided, single submitter. Criteria: GeneDx Variant Classification Process June 2021. Collection method: clinical testing. Allele origin: germline. Affected: yes.

Illumina Laboratory Services, Illumina
Classification: Benign for Neutral lipid storage myopathy. Last evaluated: 2018-01-12. Review status: criteria provided, single submitter. Criteria: ICSL Variant Classification Criteria 13 December 2019. Collection method: clinical testing. Allele origin: germline.
Comment: This variant was observed in the ICSL laboratory as part of a predisposition screen in an ostensibly healthy population. It had not been previously curated by ICSL or reported in the Human Gene Mutation Database (HGMD: prior to June 1st, 2018), and was therefore a candidate for classification through an automated scoring system. Utilizing variant allele frequency, disease prevalence and penetrance estimates, and inheritance mode, an automated score was calculated to assess if this variant is too frequent to cause the disease. Based on the score and internal cut-off values, a variant classified as benign is not then subjected to further curation. The score for this variant resulted in a classification of benign for this disease.

Breakthrough Genomics
Classification: Benign. Review status: criteria provided, single submitter. Criteria: ACMG Guidelines, 2015. Collection method: not provided. Allele origin: germline. Inheritance: Autosomal recessive inheritance. Affected: yes.

PreventionGenetics, part of Exact Sciences
Classification: Benign. Review status: criteria provided, single submitter. Criteria: ACMG Guidelines, 2015. Collection method: clinical testing. Allele origin: germline.

Dr. Peter K. Rogan Lab, Western University
No classification provided (evidence only). Condition: Lung cancer. Review status: no classification provided. Collection method: in vitro. Allele origin: not applicable. Functional consequence: retained intron. Not counted in ClinVar's aggregate classification.

Dr. Peter K. Rogan Lab, Western University
No classification provided (evidence only). Condition: Acute myeloid leukemia. Review status: no classification provided. Collection method: in vitro. Allele origin: not applicable. Functional consequence: retained intron. Not counted in ClinVar's aggregate classification.

Dr. Peter K. Rogan Lab, Western University
No classification provided (evidence only). Condition: Cervical cancer. Review status: no classification provided. Collection method: in vitro. Allele origin: not applicable. Functional consequence: retained intron. Not counted in ClinVar's aggregate classification.

Dr. Peter K. Rogan Lab, Western University
No classification provided (evidence only). Condition: Cervical cancer. Review status: no classification provided. Collection method: in vitro. Allele origin: not applicable. Functional consequence: retained intron. Not counted in ClinVar's aggregate classification.

Dr. Peter K. Rogan Lab, Western University
No classification provided (evidence only). Condition: Sarcoma. Review status: no classification provided. Collection method: in vitro. Allele origin: not applicable. Functional consequence: retained intron. Not counted in ClinVar's aggregate classification.

Dr. Peter K. Rogan Lab, Western University
No classification provided (evidence only). Condition: Sarcoma. Review status: no classification provided. Collection method: in vitro. Allele origin: not applicable. Functional consequence: retained intron. Not counted in ClinVar's aggregate classification.

Dr. Peter K. Rogan Lab, Western University
No classification provided (evidence only). Condition: Sarcoma. Review status: no classification provided. Collection method: in vitro. Allele origin: not applicable. Functional consequence: retained intron. Not counted in ClinVar's aggregate classification.

Dr. Peter K. Rogan Lab, Western University
No classification provided (evidence only). Condition: Ovarian serous cystadenocarcinoma. Review status: no classification provided. Collection method: in vitro. Allele origin: not applicable. Functional consequence: retained intron. Not counted in ClinVar's aggregate classification.

NM_020376.4(PNPLA2):c.1167G>T (p.Leu389=)

Gene: PNPLA2 (patatin like domain 2, triacylglycerol lipase; plus strand). Cytogenetic location: 11p15.5.
Variant type: single nucleotide variant.
Coding change: c.1167G>T on transcript NM_020376.4 (MANE Select); coding-DNA position 1167, G replaced by T.
Protein change: p.Leu389=; no amino-acid change (leucine 389 retained).
Molecular consequence: synonymous variant.
Genome position (GRCh38, 1-based): chr11:824,428, G>T. VCF-style: chr11-824428-G-T. GRCh37 (hg19) VCF-style: chr11-824428-G-T.
Other names: p.Leu389=.
Identifiers: ClinVar variation 261231 (VCV000261231.20), dbSNP rs11554663, ClinGen allele CA5791316.